The following is an entry in ClinVar:

ClinVar aggregate classification (germline): Uncertain significance (1 of 4 stars; one submission).

Allele frequency attached by ClinVar (database versions not stated): gnomAD exomes below 0.00001.
gnomAD v4.1: 2 of 1,614,008 alleles (0.00012%); highest among the groups gnomAD compares: Non-Finnish European, 0.00017%; no homozygotes.

Submission:

Labcorp Genetics (formerly Invitae), Labcorp
Classification: Uncertain significance. Last evaluated: 2024-02-17. Review status: criteria provided, single submitter. Criteria: Invitae Variant Classification Sherloc (09022015). Collection method: clinical testing. Allele origin: germline.
Comment: This sequence change replaces valine, which is neutral and non-polar, with methionine, which is neutral and non-polar, at codon 741 of the VCAN protein (p.Val741Met). This variant is not present in population databases (gnomAD no frequency). This variant has not been reported in the literature in individuals affected with VCAN-related conditions. ClinVar contains an entry for this variant (Variation ID: 1503349). Algorithms developed to predict the effect of missense changes on protein structure and function output the following: SIFT: "Not Available"; PolyPhen-2: "Benign"; Align-GVGD: "Not Available". The methionine amino acid residue is found in multiple mammalian species, which suggests that this missense change does not adversely affect protein function. In summary, the available evidence is currently insufficient to determine the role of this variant in disease. Therefore, it has been classified as a Variant of Uncertain Significance.

NM_004385.5(VCAN):c.2221G>A (p.Val741Met)

Gene: VCAN (versican; plus strand). Cytogenetic location: 5q14.3.
Variant type: single nucleotide variant.
Coding change: c.2221G>A on transcript NM_004385.5 (MANE Select); coding-DNA position 2221, G replaced by A.
Protein change: p.Val741Met; replaces valine 741 with methionine.
Molecular consequence: missense variant. On other transcripts: intron variant (2).
Genome position (GRCh38, 1-based): chr5:83,520,527, G>A. VCF-style: chr5-83520527-G-A. GRCh37 (hg19) VCF-style: chr5-82816346-G-A.
Other names: c.2221G>A, p.Val741Met (NM_001164098.2); c.1042+8131G>A (NM_001164097.2, NM_001126336.3); short protein forms V741M.
Identifiers: ClinVar variation 1503349 (VCV001503349.8), dbSNP rs780449957, ClinGen allele CA121792037.
Genomic context (GRCh38, chr5:83,520,527, plus strand): 5'-TTCTCTGGGATGAAACTCTCTACATCTCTCTCAGAGCCAATTCATGTTACAGAGTCTTCT[G>A]TGGAAATGACCAAGTCTTTTGATTTCCCAACATTGATAACAAAGTTAAGTGCAGAGCCAA-3'
Protein context (NP_004376.2, residues 731-751): SEPIHVTESS[Val741Met]EMTKSFDFPT